The following is an entry in ClinVar:

ClinVar aggregate classification (germline): Uncertain significance (1 of 4 stars; one submission).

Allele frequency attached by ClinVar (database versions not stated): ExAC 0.00001; TOPMed 0.00001; gnomAD exomes 0.00002.
gnomAD v4.1: 28 of 1,192,916 alleles (0.0023%); highest among the groups gnomAD compares: Non-Finnish European, 0.0028%; no homozygotes.

Submission:

Labcorp Genetics (formerly Invitae), Labcorp
Classification: Uncertain significance. Last evaluated: 2022-02-11. Review status: criteria provided, single submitter. Criteria: Invitae Variant Classification Sherloc (09022015). Collection method: clinical testing. Allele origin: germline.
Comment: This sequence change replaces glycine, which is neutral and non-polar, with arginine, which is basic and polar, at codon 46 of the PORCN protein (p.Gly46Arg). This variant also falls at the last nucleotide of exon 2, which is part of the consensus splice site for this exon. This variant is present in population databases (rs782324176, gnomAD 0.003%), including at least one homozygous and/or hemizygous individual. This variant has not been reported in the literature in individuals affected with PORCN-related conditions. In summary, the available evidence is currently insufficient to determine the role of this variant in disease. Therefore, it has been classified as a Variant of Uncertain Significance. Variants that disrupt the consensus splice site are a relatively common cause of aberrant splicing (PMID: 17576681, 9536098). Algorithms developed to predict the effect of sequence changes on RNA splicing suggest that this variant may disrupt the consensus splice site. Algorithms developed to predict the effect of missense changes on protein structure and function are either unavailable or do not agree on the potential impact of this missense change (SIFT: "Tolerated"; PolyPhen-2: "Possibly Damaging"; Align-GVGD: "Class C0").

Literature cited by the submitters: PubMed 17576681; PubMed 9536098.

NM_203475.3(PORCN):c.136G>A (p.Gly46Arg)

Gene: PORCN (porcupine O-acyltransferase; plus strand). Cytogenetic location: Xp11.23.
Variant type: single nucleotide variant.
Coding change: c.136G>A on transcript NM_203475.3 (MANE Select); coding-DNA position 136, G replaced by A.
Protein change: p.Gly46Arg; replaces glycine 46 with arginine.
Molecular consequence: missense variant. On other transcripts: 5 prime UTR variant (1).
Genome position (GRCh38, 1-based): chrX:48,509,956, G>A. VCF-style: chrX-48509956-G-A. GRCh37 (hg19) VCF-style: chrX-48368344-G-A.
Other names: c.-7G>A (NM_001282167.2); c.136G>A, p.Gly46Arg (NM_022825.4, NM_203473.3, NM_203474.1); short protein forms G46R.
Identifiers: ClinVar variation 1986496 (VCV001986496.4), dbSNP rs782324176, ClinGen allele CA10402692.